The following is an entry in ClinVar:

ClinVar aggregate classification (germline): Uncertain significance (1 of 4 stars; one submission).

Conditions:
Marfan syndrome (MFS). Also called: FBN1-Related Marfan Syndrome; MARFAN SYNDROME, TYPE I; Marfan syndrome type 1; Marfan's syndrome; Marfan syndrome, classic. Identifiers: Orphanet 284963, Orphanet 558, MedGen C0024796, MONDO:0007947, OMIM 154700.
Familial thoracic aortic aneurysm and aortic dissection (TAAD). Also called: Thoracic aortic aneurysms and dissections. Identifiers: Orphanet 91387, MedGen C4707243, MONDO:0019625.

Submission:

Labcorp Genetics (formerly Invitae), Labcorp
Classification: Uncertain significance for Marfan syndrome; Familial thoracic aortic aneurysm and aortic dissection. Last evaluated: 2025-10-22. Review status: criteria provided, single submitter. Criteria: Invitae Variant Classification Sherloc (09022015). Collection method: clinical testing. Allele origin: germline.
Comment: This sequence change replaces serine, which is neutral and polar, with proline, which is neutral and non-polar, at codon 104 of the FBN1 protein (p.Ser104Pro). This variant is not present in population databases (gnomAD no frequency). This variant has not been reported in the literature in individuals affected with FBN1-related conditions. Invitae Evidence Modeling of protein sequence and biophysical properties (such as structural, functional, and spatial information, amino acid conservation, physicochemical variation, residue mobility, and thermodynamic stability) indicates that this missense variant is not expected to disrupt FBN1 protein function with a negative predictive value of 95%. In summary, the available evidence is currently insufficient to determine the role of this variant in disease. Therefore, it has been classified as a Variant of Uncertain Significance.

NM_000138.5(FBN1):c.310T>C (p.Ser104Pro)

Gene: FBN1 (fibrillin 1; minus strand). Cytogenetic location: 15q21.1.
Variant type: single nucleotide variant.
Coding change: c.310T>C on transcript NM_000138.5 (MANE Select); coding-DNA position 310, T replaced by C.
Protein change: p.Ser104Pro; replaces serine 104 with proline.
Molecular consequence: missense variant.
Genome position (GRCh38, 1-based): chr15:48,610,764, A>G on the plus strand (T>C on the coding strand, the complement: FBN1 is on the minus strand). VCF-style: chr15-48610764-A-G. GRCh37 (hg19) VCF-style: chr15-48902961-A-G.
Other names: c.310T>C, p.Ser104Pro (NM_001406716.1, NM_001406717.1); short protein forms S104P.
Identifiers: ClinVar variation 4788351 (VCV004788351.1).
Genomic context (GRCh38, chr15:48,610,764, plus strand): 5'-TATATAATGACATGTTAGACTTACTGGATCTGGAGCCACAGGAAGGAGCTATCTGACCAG[A>G]TGGGCAAGTGCACATATTTGGCCTCGAACAAAATCCATCCCCACAGGAATGCCGGCAAAT-3'
Protein context (NP_000129.3, residues 94-114): CSRPNMCTCP[Ser104Pro]GQIAPSCGSR